The following is an entry in ClinVar:

ClinVar aggregate classification (germline): Uncertain significance (1 of 4 stars; one submission).

Conditions:
Severe combined immunodeficiency due to DNA-PKcs deficiency. Also called: IMMUNODEFICIENCY 26 WITH NEUROLOGIC ABNORMALITIES; Immunodeficiency 26 with or without neurologic abnormalities. Identifiers: Orphanet 317425, MedGen C4014833, MONDO:0014423, OMIM 615966.

Allele frequency attached by ClinVar (database versions not stated): gnomAD exomes 0.00002; gnomAD 0.00003; TOPMed 0.00003; ExAC 0.00004; 1000 Genomes Project 30x 0.00016; 1000 Genomes Project 0.00020.
gnomAD v4.1: 52 of 1,612,936 alleles (0.0032%); highest among the groups gnomAD compares: Middle Eastern, 0.033%; no homozygotes.

Submission:

Labcorp Genetics (formerly Invitae), Labcorp
Classification: Uncertain significance for Severe combined immunodeficiency due to DNA-PKcs deficiency. Last evaluated: 2023-11-27. Review status: criteria provided, single submitter. Criteria: Invitae Variant Classification Sherloc (09022015). Collection method: clinical testing. Allele origin: germline.
Comment: This sequence change replaces alanine, which is neutral and non-polar, with threonine, which is neutral and polar, at codon 3862 of the PRKDC protein (p.Ala3862Thr). This variant is present in population databases (rs568709506, gnomAD 0.004%). This variant has not been reported in the literature in individuals affected with PRKDC-related conditions. ClinVar contains an entry for this variant (Variation ID: 1426339). Advanced modeling of protein sequence and biophysical properties (such as structural, functional, and spatial information, amino acid conservation, physicochemical variation, residue mobility, and thermodynamic stability) performed at Invitae indicates that this missense variant is expected to disrupt PRKDC protein function with a positive predictive value of 80%. In summary, the available evidence is currently insufficient to determine the role of this variant in disease. Therefore, it has been classified as a Variant of Uncertain Significance.

NM_006904.7(PRKDC):c.11584G>A (p.Ala3862Thr)

Gene: PRKDC (protein kinase, DNA-activated, catalytic subunit; minus strand). Cytogenetic location: 8q11.21.
Variant type: single nucleotide variant.
Coding change: c.11584G>A on transcript NM_006904.7 (MANE Select); coding-DNA position 11584, G replaced by A.
Protein change: p.Ala3862Thr; replaces alanine 3862 with threonine.
Molecular consequence: missense variant.
Genome position (GRCh38, 1-based): chr8:47,778,795, C>T on the plus strand (G>A on the coding strand, the complement: PRKDC is on the minus strand). VCF-style: chr8-47778795-C-T. GRCh37 (hg19) VCF-style: chr8-48691356-C-T.
Other names: c.11491G>A, p.Ala3831Thr (NM_001081640.2); short protein forms A3831T, A3862T.
Identifiers: ClinVar variation 1426339 (VCV001426339.4), dbSNP rs568709506, ClinGen allele CA4739046.
Genomic context (GRCh38, chr8:47,778,795, plus strand): 5'-GATCAGCAGGCACTTTACTTTCTCGTTTTCTAAAAGACGTGACTGTTTCAGTACGATTAG[C>T]GCCCCTATGATTTAATAATAGAAACATCTAATTAGAAAAAATTTCTCTGACTTAAAATTT-3'
Protein context (NP_008835.5, residues 3852-3872): VGAYMLMYKG[Ala3862Thr]NRTETVTSFR